The following is an entry in ClinVar:

ClinVar aggregate classification (germline): Likely benign. Review status: criteria provided, multiple submitters, no conflicts (2 of 4 stars). 2 submissions from 2 submitters: Likely benign (2). Last evaluated 2026-01-08.

Conditions:
DST-related disorder. Also called: DST-related condition; DST-related disorders.
Epidermolysis bullosa simplex 3, localized or generalized intermediate, with BP230 deficiency (EBS3). Also called: Epidermolysis bullosa simplex, autosomal recessive 2; Epidermolysis bullosa simplex due to BP230 deficiency. Identifiers: Orphanet 412181, MedGen C3809470, MONDO:0014180, OMIM 615425.
Hereditary sensory and autonomic neuropathy type 6. Also called: Neuropathy, hereditary sensory and autonomic, type VI; HSAN VI. Identifiers: Orphanet 314381, MedGen C3539003, MONDO:0013839, OMIM 614653.

Allele frequency attached by ClinVar (database versions not stated): gnomAD exomes 0.00001 and 0.00004; ExAC 0.00002; gnomAD 0.00003; TOPMed 0.00003.
gnomAD v4.1: 22 of 1,614,014 alleles (0.0014%); highest among the groups gnomAD compares: Admixed American, 0.033%; no homozygotes.

Submissions (2):

PreventionGenetics, part of Exact Sciences
Classification: Likely benign for DST-related condition. Last evaluated: 2026-01-08. Review status: criteria provided, single submitter. Criteria: ACMG Guidelines, 2015. Collection method: clinical testing. Allele origin: germline.
Comment: This variant is classified as likely benign based on ACMG/AMP sequence variant interpretation guidelines (Richards et al. 2015 PMID: 25741868, with internal and published modifications).

Labcorp Genetics (formerly Invitae), Labcorp
Classification: Likely benign for Epidermolysis bullosa simplex 3, localized or generalized intermediate, with BP230 deficiency; Hereditary sensory and autonomic neuropathy type 6. Last evaluated: 2023-03-23. Review status: criteria provided, single submitter. Criteria: Invitae Variant Classification Sherloc (09022015). Collection method: clinical testing. Allele origin: germline.

NM_001723.7(DST):c.3372G>A (p.Gln1124=)

Gene: DST (dystonin; minus strand). Cytogenetic location: 6p12.1.
Variant type: single nucleotide variant.
Coding change: c.3372G>A on transcript NM_001723.7 (MANE Plus Clinical); coding-DNA position 3372, G replaced by A.
Protein change: p.Gln1124=; no amino-acid change (glutamine 1124 retained).
Molecular consequence: synonymous variant. On other transcripts: intron variant (10).
Genome position (GRCh38, 1-based): chr6:56,620,662, C>T on the plus strand (G>A on the coding strand, the complement: DST is on the minus strand). VCF-style: chr6-56620662-C-T. GRCh37 (hg19) VCF-style: chr6-56485460-C-T.
Other names: c.4830+3868G>A (NM_001144769.5); c.4929+3868G>A (NM_001374722.1, NM_001374736.1); c.4956+3868G>A (NM_001374734.1); c.4416+3868G>A (NM_001144770.2); c.4296+3868G>A (NM_001374730.1, NM_001386100.1, NM_183380.4 and 1 more transcripts); c.3318+3868G>A (NM_015548.5); c.3372G>A (NM_001723.5).
Identifiers: ClinVar variation 1131124 (VCV001131124.10), dbSNP rs201297384, ClinGen allele CA3870726.
Genomic context (GRCh38, chr6:56,620,662, plus strand): 5'-TTCCAACTCACTTATCTTTCCTGTAAGTTTGCTATTCTCAAGCACTGTTGCCTTCTGACG[C>T]TGAAGCAGATCTGAATATGCCCCATGTTCAGAAGTCTCCTTACACCTTTTAATCTACAAA-3'
Protein context (NP_001714.1, residues 1114-1134): SEHGAYSDLL[Gln1124=]RQKATVLENS